The following is an entry in ClinVar:

ClinVar aggregate classification (germline): Conflicting classifications of pathogenicity. Review status: criteria provided, conflicting classifications (1 of 4 stars). 2 submissions from 2 submitters: Uncertain significance (1); Likely benign (1). Last evaluated 2026-01-25.

Conditions:
Compton-North congenital myopathy (CMYO12). Identifiers: Orphanet 210163, MedGen C2675527, MONDO:0012929, OMIM 612540.

Allele frequency attached by ClinVar (database versions not stated): ExAC 0.00012; TOPMed 0.00013; gnomAD 0.00008 and 0.00007; gnomAD exomes 0.00010 and 0.00022; ESP Exome Variant Server 0.00008.
gnomAD v4.1: 70 of 1,613,762 alleles (0.0043%); highest among the groups gnomAD compares: Admixed American, 0.11%; no homozygotes.

Submissions (2):

Labcorp Genetics (formerly Invitae), Labcorp
Classification: Likely benign for Compton-North congenital myopathy. Last evaluated: 2026-01-25. Review status: criteria provided, single submitter. Criteria: Invitae Variant Classification Sherloc (09022015). Collection method: clinical testing. Allele origin: germline.

GeneDx
Classification: Uncertain significance. Last evaluated: 2025-01-17. Review status: criteria provided, single submitter. Criteria: GeneDx Variant Classification Process June 2021. Collection method: clinical testing. Allele origin: germline.
Comment: In silico analysis supports that this missense variant has a deleterious effect on protein structure/function; Has not been previously published as pathogenic or benign to our knowledge

NM_001843.4(CNTN1):c.1280C>G (p.Ala427Gly)

Gene: CNTN1 (contactin 1; plus strand). Cytogenetic location: 12q12.
Variant type: single nucleotide variant.
Coding change: c.1280C>G on transcript NM_001843.4 (MANE Select); coding-DNA position 1280, C replaced by G.
Protein change: p.Ala427Gly; replaces alanine 427 with glycine.
Molecular consequence: missense variant.
Genome position (GRCh38, 1-based): chr12:40,939,386, C>G. VCF-style: chr12-40939386-C-G. GRCh37 (hg19) VCF-style: chr12-41333188-C-G.
Other names: c.1280C>G, p.Ala427Gly (NM_001256063.2, NM_001256064.2); c.1247C>G, p.Ala416Gly (NM_175038.2); short protein forms A427G, A416G.
Identifiers: ClinVar variation 469410 (VCV000469410.17), dbSNP rs141706688, ClinGen allele CA6516829.